The following is an entry in ClinVar:

ClinVar aggregate classification (germline): Uncertain significance (1 of 4 stars; one submission).

Conditions:
RASopathy. Also called: rasopathies; Noonan spectrum disorder. Identifiers: Orphanet 536391, MedGen C5555857, MONDO:0021060.

gnomAD v4.1: 1 of 1,605,452 alleles (0.000062%); highest among the groups gnomAD compares: Non-Finnish European, 0.000085%; no homozygotes.

Submission:

Labcorp Genetics (formerly Invitae), Labcorp
Classification: Uncertain significance for RASopathy. Last evaluated: 2025-06-23. Review status: criteria provided, single submitter. Criteria: Invitae Variant Classification Sherloc (09022015). Collection method: clinical testing. Allele origin: germline.
Comment: This sequence change replaces valine, which is neutral and non-polar, with methionine, which is neutral and non-polar, at codon 852 of the SOS1 protein (p.Val852Met). This variant is not present in population databases (gnomAD no frequency). This variant has not been reported in the literature in individuals affected with SOS1-related conditions. ClinVar contains an entry for this variant (Variation ID: 2093111). Invitae Evidence Modeling of protein sequence and biophysical properties (such as structural, functional, and spatial information, amino acid conservation, physicochemical variation, residue mobility, and thermodynamic stability) indicates that this missense variant is not expected to disrupt SOS1 protein function with a negative predictive value of 95%. In summary, the available evidence is currently insufficient to determine the role of this variant in disease. Therefore, it has been classified as a Variant of Uncertain Significance.

NM_005633.4(SOS1):c.2554G>A (p.Val852Met)

Gene: SOS1 (SOS Ras/Rac guanine nucleotide exchange factor 1; minus strand). Cytogenetic location: 2p22.1.
Variant type: single nucleotide variant.
Coding change: c.2554G>A on transcript NM_005633.4 (MANE Select); coding-DNA position 2554, G replaced by A.
Protein change: p.Val852Met; replaces valine 852 with methionine.
Molecular consequence: missense variant.
Genome position (GRCh38, 1-based): chr2:39,007,150, C>T on the plus strand (G>A on the coding strand, the complement: SOS1 is on the minus strand). VCF-style: chr2-39007150-C-T. GRCh37 (hg19) VCF-style: chr2-39234291-C-T.
Other names: c.2533G>A, p.Val845Met (NM_001382394.1); c.2554G>A, p.Val852Met (NM_001382395.1); short protein forms V852M, V845M.
Identifiers: ClinVar variation 2093111 (VCV002093111.4), dbSNP rs1429582356, ClinGen allele CA346363579.